The following is an entry in ClinVar:

NM_001035.3(RYR2):c.6659A>G (p.Tyr2220Cys)

Gene: RYR2 (ryanodine receptor 2; plus strand). Cytogenetic location: 1q43.
Variant type: single nucleotide variant.
Coding change: c.6659A>G on transcript NM_001035.3 (MANE Select); coding-DNA position 6659, A replaced by G.
Protein change: p.Tyr2220Cys; replaces tyrosine 2220 with cysteine.
Molecular consequence: missense variant.
Genome position (GRCh38, 1-based): chr1:237,633,681, A>G. VCF-style: chr1-237633681-A-G. GRCh37 (hg19) VCF-style: chr1-237796981-A-G.
Other names: short protein forms Y2220C.
Identifiers: ClinVar variation 5028684 (VCV005028684.1).

ClinVar aggregate classification (germline): Uncertain significance (1 of 4 stars; one submission).

Conditions:
Cardiovascular phenotype. Identifiers: MedGen CN230736.

Submission:

Ambry Genetics
Classification: Uncertain significance for Cardiovascular phenotype. Last evaluated: 2026-07-07. Review status: criteria provided, single submitter. Criteria: Ambry Variant Classification Scheme 2023. Collection method: clinical testing. Allele origin: germline.
Comment: The p.Y2220C variant (also known as c.6659A>G), located in coding exon 43 of the RYR2 gene, results from an A to G substitution at nucleotide position 6659. The tyrosine at codon 2220 is replaced by cysteine, an amino acid with highly dissimilar properties. This amino acid position is conserved. In addition, this alteration is predicted to be deleterious by in silico analysis. Based on the available evidence, the clinical significance of this variant remains unclear.